The following is an entry in ClinVar:

ClinVar aggregate classification (germline): Benign. Review status: criteria provided, multiple submitters, no conflicts (2 of 4 stars). 3 submissions from 3 submitters: Benign (2). 1 of the submissions does not count toward it. Last evaluated 2026-02-04.

Conditions:
TAOK2-related disorder. Also called: TAOK2-related condition.

Allele frequency attached by ClinVar (database versions not stated): gnomAD 0.37466 and 0.36834; TOPMed 0.36216; ESP Exome Variant Server 0.36471; 1000 Genomes Project 0.36741; gnomAD exomes 0.43949 and 0.46560; 1000 Genomes Project 30x 0.36462; ExAC 0.43519.
gnomAD v4.1: 736,626 of 1,613,488 alleles (46%); highest among the groups gnomAD compares: South Asian, 51%; 172,944 homozygotes.

Submissions (3):

Labcorp Genetics (formerly Invitae), Labcorp
Classification: Benign. Last evaluated: 2026-02-04. Review status: criteria provided, single submitter. Criteria: Invitae Variant Classification Sherloc (09022015). Collection method: clinical testing. Allele origin: germline.

Breakthrough Genomics
Classification: Benign. Review status: criteria provided, single submitter. Criteria: ACMG Guidelines, 2015. Collection method: not provided. Allele origin: germline. Inheritance: Unknown mechanism. Affected: yes.

PreventionGenetics, part of Exact Sciences
Classification: Benign for TAOK2-related condition. Last evaluated: 2019-10-17. Review status: no assertion criteria provided. Collection method: clinical testing. Allele origin: germline. Not counted in ClinVar's aggregate classification.
Comment: This variant is classified as benign based on ACMG/AMP sequence variant interpretation guidelines (Richards et al. 2015 PMID: 25741868, with internal and published modifications).

NM_016151.4(TAOK2):c.1359C>T (p.Ser453=)

Gene: TAOK2 (TAO kinase 2; plus strand). Cytogenetic location: 16p11.2.
Variant type: single nucleotide variant.
Coding change: c.1359C>T on transcript NM_016151.4 (MANE Select); coding-DNA position 1359, C replaced by T.
Protein change: p.Ser453=; no amino-acid change (serine 453 retained).
Molecular consequence: synonymous variant.
Genome position (GRCh38, 1-based): chr16:29,983,601, C>T. VCF-style: chr16-29983601-C-T. GRCh37 (hg19) VCF-style: chr16-29994922-C-T.
Other names: c.1359C>T, p.Ser453= (NM_001252043.2, NM_004783.4); c.1359C>T (NM_016151.3).
Identifiers: ClinVar variation 1167693 (VCV001167693.12), dbSNP rs3814883, ClinGen allele CA7998120.
Genomic context (GRCh38, chr16:29,983,601, plus strand): 5'-GATAACCCCCAGCCCTCTCCAGCCGCCTGCAGCCCCAGCTCCCACTTCCACCACCTCTTC[C>T]GCCCGCCGCCGGGCCTACTGCCGTAACCGAGACCACTTTGCCACCATCCGAACCGCCTCC-3'
Protein context (NP_057235.2, residues 443-463): AAPAPTSTTS[Ser453=]ARRRAYCRNR